The following is an entry in ClinVar:

NM_000368.5(TSC1):c.2020_2028del (p.Val674_Trp676del)

Gene: TSC1 (TSC complex subunit 1; minus strand). Cytogenetic location: 9q34.13.
Variant type: Deletion.
Coding change: c.2020_2028del on transcript NM_000368.5 (MANE Select); coding-DNA positions 2020 to 2028, 9 bases deleted (GTCGACTGG; older notation c.2020_2028delGTCGACTGG).
Protein change: p.Val674_Trp676del.
Molecular consequence: inframe deletion. On other transcripts: inframe indel (1), non-coding transcript variant (5).
Genome position (GRCh38, 1-based): chr9:132,904,424-132,904,432, CCAGTCGAC deleted on the plus strand (GTCGACTGG on the coding strand, the reverse complement: TSC1 is on the minus strand). VCF-style (leftmost placement, unchanged base first): chr9-132904423-TCCAGTCGAC-T. GRCh37 (hg19) VCF-style: chr9-135779810-TCCAGTCGAC-T.
Other names: c.2020_2028delGTCGACTGG, p.Val674_Trp676del (NM_000368.4); c.2017_2025del, p.Val673_Trp675del (NM_001162426.2, NM_001406597.1, NM_001406598.1 and 6 more transcripts); c.1867_1875del, p.Val623_Trp625del (NM_001162427.2, NM_001406610.1); c.1657_1665del, p.Val553_Trp555del (NM_001362177.2, NM_001406614.1, NM_001406615.1 and 5 more transcripts); c.2020_2028del, p.Val674_Trp676del (NM_001406592.1, NM_001406593.1, NM_001406594.1 and 7 more transcripts); c.1864_1872del, p.Val622_Trp624del (NM_001406611.1, NM_001406612.1, NM_001406613.1); c.1654_1662del, p.Val552_Trp554del (NM_001406620.1, NM_001406621.1, NM_001406622.1 and 2 more transcripts); c.1069_1077del, p.Val357_Trp359del (NM_001406626.1); and 2 more.
Identifiers: ClinVar variation 4682355 (VCV004682355.1).

ClinVar aggregate classification (germline): Uncertain significance (1 of 4 stars; one submission).

Submission:

Athena Diagnostics
Classification: Uncertain significance. Last evaluated: 2025-06-17. Review status: criteria provided, single submitter. Criteria: Athena Diagnostics Criteria. Collection method: clinical testing. Allele origin: unknown.
Comment: Available data are insufficient to determine the clinical significance of the variant at this time. This variant has not been reported in large, multi-ethnic general populations. This variant has been identified in at least one individual with clinical features associated with this gene. Computational tools yielded predictions that this variant is unlikely to have an effect on normal RNA splicing.